The following is an entry in ClinVar:

ClinVar aggregate classification (germline): Pathogenic. Review status: criteria provided, multiple submitters, no conflicts (2 of 4 stars). 2 submissions from 2 submitters: Pathogenic (2). Last evaluated 2024-01-08.

Conditions:
Familial cancer of breast. Also called: hereditary breast carcinoma; BREAST CANCER, FAMILIAL; Hereditary breast cancer. Identifiers: Orphanet 227535, MedGen C0346153, MONDO:0016419, OMIM 114480. Disease mechanism: loss of function.
Ataxia-telangiectasia syndrome (AT). Also called: Ataxia-telangiectasia, complementation group E; LOUIS-BAR SYNDROME; Ataxia-telangiectasia, complementation group D; AT, COMPLEMENTATION GROUP C; Ataxia-telangiectasia; Cerebello-oculocutaneous telangiectasia. Identifiers: Orphanet 100, MedGen C0004135, MONDO:0008840, OMIM 208900.

Submissions (2):

Myriad Genetics, Inc.
Classification: Pathogenic for Familial cancer of breast. Last evaluated: 2024-01-08. Review status: criteria provided, single submitter. Criteria: Myriad Autosomal Dominant, Autosomal Recessive and X-Linked Classification Criteria (2023). Collection method: clinical testing. Allele origin: unknown.
Comment: This variant is considered pathogenic. This variant creates a frameshift predicted to result in premature protein truncation.

Labcorp Genetics (formerly Invitae), Labcorp
Classification: Pathogenic for Ataxia-telangiectasia syndrome. Last evaluated: 2023-07-09. Review status: criteria provided, single submitter. Criteria: Invitae Variant Classification Sherloc (09022015). Collection method: clinical testing. Allele origin: germline.
Comment: ClinVar contains an entry for this variant (Variation ID: 1456197). This variant has not been reported in the literature in individuals affected with ATM-related conditions. This variant is not present in population databases (gnomAD no frequency). This sequence change creates a premature translational stop signal (p.Asn109Glnfs*5) in the ATM gene. It is expected to result in an absent or disrupted protein product. Loss-of-function variants in ATM are known to be pathogenic (PMID: 23807571, 25614872). For these reasons, this variant has been classified as Pathogenic.

Literature cited by the submitters: PubMed 23807571 (cited by Labcorp Genetics (formerly Invitae), Labcorp); PubMed 25614872 (cited by Labcorp Genetics (formerly Invitae), Labcorp).

NM_000051.4(ATM):c.325_326del (p.Asn109fs)

Gene: ATM (ATM serine/threonine kinase; plus strand). Cytogenetic location: 11q22.3.
Variant type: Deletion.
Coding change: c.325_326del on transcript NM_000051.4 (MANE Select); coding-DNA positions 325 to 326, 2 bases deleted (AA; older notation c.325_326delAA).
Protein change: p.Asn109fs; shifts the reading frame from asparagine 109.
Molecular consequence: frameshift variant.
Genome position (GRCh38, 1-based): chr11:108,229,317-108,229,318, AA deleted; deleting any 2 consecutive bases within chr11:108,229,316-108,229,318 gives the same sequence; the c. name uses the placement nearest the transcript's 3' end. VCF-style (leftmost placement, unchanged base first): chr11-108229315-CAA-C. GRCh37 (hg19) VCF-style: chr11-108100042-CAA-C.
Other names: c.325_326del, p.Asn109fs (NM_001351834.2, NM_001351835.2, NM_001351836.2); short protein forms N109fs.
Identifiers: ClinVar variation 1456197 (VCV001456197.7), dbSNP rs2135038488, ClinGen allele CA2573146489.